The following is an entry in ClinVar:

ClinVar aggregate classification (germline): Uncertain significance (1 of 4 stars; one submission).

gnomAD v4.1: 1 of 1,613,614 alleles (0.000062%); highest among the groups gnomAD compares: Non-Finnish European, 0.000085%; no homozygotes.

Submission:

GeneDx
Classification: Uncertain significance. Last evaluated: 2026-03-03. Review status: criteria provided, single submitter. Criteria: GeneDx Variant Classification Process June 2021. Collection method: clinical testing. Allele origin: germline.
Comment: Not observed at significant frequency in large population cohorts (gnomAD); In silico analysis suggests that this missense variant does not alter protein structure/function; Has not been previously published as pathogenic or benign to our knowledge

NM_007118.4(TRIO):c.3395G>A (p.Arg1132Lys)

Gene: TRIO (trio Rho guanine nucleotide exchange factor; plus strand). Cytogenetic location: 5p15.2.
Variant type: single nucleotide variant.
Coding change: c.3395G>A on transcript NM_007118.4 (MANE Select); coding-DNA position 3395, G replaced by A.
Protein change: p.Arg1132Lys; replaces arginine 1132 with lysine.
Molecular consequence: missense variant. On other transcripts: non-coding transcript variant (1).
Genome position (GRCh38, 1-based): chr5:14,378,075, G>A. VCF-style: chr5-14378075-G-A. GRCh37 (hg19) VCF-style: chr5-14378184-G-A.
Other names: short protein forms R1132K.
Identifiers: ClinVar variation 5008405 (VCV005008405.1).